The following is an entry in ClinVar:

NM_001131016.2(CIZ1):c.708G>A (p.Glu236=)

Gene: CIZ1 (CDKN1A interacting zinc finger protein 1; minus strand). Cytogenetic location: 9q34.11.
Variant type: single nucleotide variant.
Coding change: c.708G>A on transcript NM_001131016.2 (MANE Select); coding-DNA position 708, G replaced by A.
Protein change: p.Glu236=; no amino-acid change (glutamic acid 236 retained).
Molecular consequence: synonymous variant.
Genome position (GRCh38, 1-based): chr9:128,180,498, C>T on the plus strand (G>A on the coding strand, the complement: CIZ1 is on the minus strand). VCF-style: chr9-128180498-C-T. GRCh37 (hg19) VCF-style: chr9-130942777-C-T.
Other names: c.708G>A, p.Glu236= (NM_001131015.2, NM_012127.3); c.693G>A, p.Glu231= (NM_001131017.2); c.636G>A, p.Glu212= (NM_001131018.2); c.798G>A, p.Glu266= (NM_001257975.2); c.405G>A, p.Glu135= (NM_001257976.2).
Identifiers: ClinVar variation 413835 (VCV000413835.13), dbSNP rs114440041, ClinGen allele CA5257482.

ClinVar aggregate classification (germline): Benign/Likely benign. Review status: criteria provided, multiple submitters, no conflicts (2 of 4 stars). 3 submissions from 3 submitters: Benign (2); Likely benign (1). Last evaluated 2026-06-09.

Conditions:
CIZ1-related disorder. Also called: CIZ1-related condition.
Dystonic disorder. Also called: Dystonia. Identifiers: MedGen C0013421, MONDO:0003441, HP:0001332.

Allele frequency attached by ClinVar (database versions not stated): gnomAD 0.00929 and 0.01002; 1000 Genomes Project 0.00938; 1000 Genomes Project 30x 0.00984; TOPMed 0.01020; ESP Exome Variant Server 0.01046; gnomAD exomes 0.00093 and 0.00211; ExAC 0.00278.

Submissions (3):

PreventionGenetics, part of Exact Sciences
Classification: Likely benign for CIZ1-related condition. Last evaluated: 2026-06-09. Review status: criteria provided, single submitter. Criteria: ACMG Guidelines, 2015. Collection method: clinical testing. Allele origin: germline.
Comment: This variant is classified as likely benign based on ACMG/AMP sequence variant interpretation guidelines (Richards et al. 2015 PMID: 25741868, with internal and published modifications).

Labcorp Genetics (formerly Invitae), Labcorp
Classification: Benign for Dystonic disorder. Last evaluated: 2026-01-28. Review status: criteria provided, single submitter. Criteria: Invitae Variant Classification Sherloc (09022015). Collection method: clinical testing. Allele origin: germline.

Breakthrough Genomics
Classification: Benign. Review status: criteria provided, single submitter. Criteria: ACMG Guidelines, 2015. Collection method: not provided. Allele origin: germline. Inheritance: Unknown mechanism. Affected: yes.